The following is an entry in ClinVar:

NM_004168.4(SDHA):c.1191G>C (p.Lys397Asn)

Gene: SDHA (succinate dehydrogenase complex flavoprotein subunit A; plus strand). Cytogenetic location: 5p15.33.
Variant type: single nucleotide variant.
Coding change: c.1191G>C on transcript NM_004168.4 (MANE Select); coding-DNA position 1191, G replaced by C.
Protein change: p.Lys397Asn; replaces lysine 397 with asparagine.
Molecular consequence: missense variant.
Genome position (GRCh38, 1-based): chr5:235,270, G>C. VCF-style: chr5-235270-G-C. GRCh37 (hg19) VCF-style: chr5-235385-G-C.
Other names: c.1047G>C, p.Lys349Asn (NM_001294332.2); c.1191G>C, p.Lys397Asn (NM_001330758.2); c.1191G>C (NM_004168.2); short protein forms K349N, K397N.
Identifiers: ClinVar variation 660259 (VCV000660259.17), dbSNP rs1035794713, ClinGen allele CA112825810.
Genomic context (GRCh38, chr5:235,270, plus strand): 5'-CACGCGCCTGCCTGGCATTTCAGAGACAGCCATGATCTTCGCTGGCGTGGACGTCACGAA[G>C]GAGCCGATCCCTGTCCTCCCCACCGTGCATTATAACATGGGCGGCATTCCCACCAACTAC-3'
Protein context (NP_004159.2, residues 387-407): AMIFAGVDVT[Lys397Asn]EPIPVLPTVH

ClinVar aggregate classification (germline): Uncertain significance. Review status: criteria provided, multiple submitters, no conflicts (2 of 4 stars). 4 submissions from 4 submitters: Uncertain significance (4). Last evaluated 2026-01-13.

Conditions:
Neurodegeneration with ataxia and late-onset optic atrophy. Identifiers: MedGen C5543254, MONDO:0031006, OMIM 619259.
Dilated cardiomyopathy 1GG (CMD1GG). Identifiers: Orphanet 154, MedGen C3150898, MONDO:0013339, OMIM 613642.
Pheochromocytoma/paraganglioma syndrome 5. Also called: Paragangliomas 5; SDHA-Related Hereditary Paraganglioma-Pheochromocytoma Syndrome. Identifiers: Orphanet 29072, MedGen C3279992, MONDO:0013602, OMIM 614165.
Mitochondrial complex II deficiency, nuclear type 1. Also called: SUCCINATE CoQ REDUCTASE DEFICIENCY. Identifiers: Orphanet 3208, MedGen C5700310, MONDO:0100294, OMIM 252011.
Hereditary cancer-predisposing syndrome. Also called: Tumor predisposition; Neoplastic Syndromes, Hereditary; Hereditary Cancer Syndrome; Hereditary neoplastic syndrome. Identifiers: Orphanet 140162, MedGen C0027672, MeSH D009386, MONDO:0015356.

Allele frequency attached by ClinVar (database versions not stated): gnomAD exomes 0.00001; TOPMed 0.00002.
gnomAD v4.1: 10 of 1,614,116 alleles (0.00062%); highest among the groups gnomAD compares: Non-Finnish European, 0.00085%; no homozygotes.

Submissions (4):

Labcorp Genetics (formerly Invitae), Labcorp
Classification: Uncertain significance for Pheochromocytoma/paraganglioma syndrome 5; Mitochondrial complex II deficiency, nuclear type 1. Last evaluated: 2026-01-13. Review status: criteria provided, single submitter. Criteria: Invitae Variant Classification Sherloc (09022015). Collection method: clinical testing. Allele origin: germline.
Comment: This sequence change replaces lysine, which is basic and polar, with asparagine, which is neutral and polar, at codon 397 of the SDHA protein (p.Lys397Asn). This variant is not present in population databases (gnomAD no frequency). This variant has not been reported in the literature in individuals affected with SDHA-related conditions. ClinVar contains an entry for this variant (Variation ID: 660259). Invitae Evidence Modeling of protein sequence and biophysical properties (such as structural, functional, and spatial information, amino acid conservation, physicochemical variation, residue mobility, and thermodynamic stability) indicates that this missense variant is not expected to disrupt SDHA protein function with a negative predictive value of 95%. In summary, the available evidence is currently insufficient to determine the role of this variant in disease. Therefore, it has been classified as a Variant of Uncertain Significance.

Ambry Genetics
Classification: Uncertain significance for Hereditary cancer-predisposing syndrome. Last evaluated: 2025-09-01. Review status: criteria provided, single submitter. Criteria: Ambry Variant Classification Scheme 2023. Collection method: clinical testing. Allele origin: germline.
Comment: The p.K397N variant (also known as c.1191G>C), located in coding exon 9 of the SDHA gene, results from a G to C substitution at nucleotide position 1191. The lysine at codon 397 is replaced by asparagine, an amino acid with similar properties. This amino acid position is highly conserved in available vertebrate species. In addition, this alteration is predicted to be tolerated by in silico analysis. Since supporting evidence is limited at this time, the clinical significance of this alteration remains unclear.

Baylor Genetics
Classification: Uncertain significance for Dilated cardiomyopathy 1GG. Last evaluated: 2024-02-29. Review status: criteria provided, single submitter. Criteria: ACMG Guidelines, 2015. Collection method: clinical testing. Allele origin: unknown.

Institute of Human Genetics, Clinical Exome/Genome Diagnostics Group, University Hospital Bonn
Classification: Uncertain significance for Neurodegeneration with ataxia and late-onset optic atrophy. Last evaluated: 2021-12-08. Review status: criteria provided, single submitter. Criteria: ACMG Guidelines, 2015. Collection method: clinical testing. Allele origin: germline. Affected: yes.
Comment: PM2